The following is an entry in ClinVar:

NM_001003841.3(SLC6A19):c.738C>T (p.Gly246=)

Gene: SLC6A19 (solute carrier family 6 member 19; plus strand). Cytogenetic location: 5p15.33.
Variant type: single nucleotide variant.
Coding change: c.738C>T on transcript NM_001003841.3 (MANE Select); coding-DNA position 738, C replaced by T.
Protein change: p.Gly246=; no amino-acid change (glycine 246 retained).
Molecular consequence: synonymous variant.
Genome position (GRCh38, 1-based): chr5:1,213,537, C>T. VCF-style: chr5-1213537-C-T. GRCh37 (hg19) VCF-style: chr5-1213652-C-T.
Other names: c.738C>T (NM_001003841.2).
Identifiers: ClinVar variation 2185848 (VCV002185848.7), dbSNP rs368423756, ClinGen allele CA3182850.
Genomic context (GRCh38, chr5:1,213,537, plus strand): 5'-CTCCACGCTGCCCTATGTCGTCCTGACCATCTTCCTCATCCGAGGCCTGACGCTGAAGGG[C>T]GCCACCAATGGCATCGTCTTCCTCTTCACGCCCAACGTAAGTCCCCGAGGCTGCCCTGGG-3'
Protein context (NP_001003841.1, residues 236-256): IFLIRGLTLK[Gly246=]ATNGIVFLFT

ClinVar aggregate classification (germline): Likely benign. Review status: criteria provided, multiple submitters, no conflicts (2 of 4 stars). 3 submissions from 3 submitters: Likely benign (2). 1 of the submissions does not count toward it. Last evaluated 2025-08-23.

Conditions:
Inborn genetic diseases. Identifiers: MedGen C0950123, MeSH D030342.
SLC6A19-related disorder. Also called: SLC6A19-related condition.

Allele frequency attached by ClinVar (database versions not stated): ExAC 0.00003; gnomAD 0.00005; TOPMed 0.00005; ESP Exome Variant Server 0.00008.
gnomAD v4.1: 94 of 1,611,338 alleles (0.0058%); highest among the groups gnomAD compares: Admixed American, 0.025%; no homozygotes.

Submissions (3):

Ambry Genetics
Classification: Likely benign for Inborn genetic diseases. Last evaluated: 2025-08-23. Review status: criteria provided, single submitter. Criteria: Ambry Variant Classification Scheme 2023. Collection method: clinical testing. Allele origin: germline.

Labcorp Genetics (formerly Invitae), Labcorp
Classification: Likely benign. Last evaluated: 2025-04-19. Review status: criteria provided, single submitter. Criteria: Invitae Variant Classification Sherloc (09022015). Collection method: clinical testing. Allele origin: germline.

PreventionGenetics, part of Exact Sciences
Classification: Likely benign for SLC6A19-related condition. Last evaluated: 2019-07-23. Review status: no assertion criteria provided. Collection method: clinical testing. Allele origin: germline. Not counted in ClinVar's aggregate classification.
Comment: This variant is classified as likely benign based on ACMG/AMP sequence variant interpretation guidelines (Richards et al. 2015 PMID: 25741868, with internal and published modifications).